The following is an entry in ClinVar:

ClinVar aggregate classification (germline): Likely pathogenic (1 of 4 stars; one submission).

gnomAD v4.1: 36 of 1,608,462 alleles (0.0022%); highest among the groups gnomAD compares: Non-Finnish European, 0.003%; no homozygotes.

Submission:

Mayo Clinic Laboratories, Mayo Clinic
Classification: Likely pathogenic. Last evaluated: 2024-02-14. Review status: criteria provided, single submitter. Criteria: ACMG Guidelines, 2015. Collection method: clinical testing. Allele origin: germline. Observed: 1 variant allele.
Comment: PP3, PM1_supporting, PM3, PS3

Literature cited by the submitters: PubMed 28575652; PubMed 28774589.

NM_002035.4(KDSR):c.413T>G (p.Phe138Cys)

Gene: KDSR (3-ketodihydrosphingosine reductase; minus strand). Cytogenetic location: 18q21.33.
Variant type: single nucleotide variant.
Coding change: c.413T>G on transcript NM_002035.4 (MANE Select); coding-DNA position 413, T replaced by G.
Protein change: p.Phe138Cys; replaces phenylalanine 138 with cysteine.
Molecular consequence: missense variant.
Genome position (GRCh38, 1-based): chr18:63,355,208, A>C on the plus strand (T>G on the coding strand, the complement: KDSR is on the minus strand). VCF-style: chr18-63355208-A-C. GRCh37 (hg19) VCF-style: chr18-61022441-A-C.
Other names: p.Phe138Cys; short protein forms F138C.
Identifiers: ClinVar variation 3380908 (VCV003380908.1).
Genomic context (GRCh38, chr18:63,355,208, plus strand): 5'-AGCTTGCTCTGCTTTTAGCATATGTGCTACTGCAGTGAGCAAACATTTTTACTTACTTCA[A>C]AGGTACTAACTTCAAGATCTTCAAATTTTCCTGACACTGCCATTCCTGCACAATTTACCA-3'
Protein context (NP_002026.1, residues 128-148): GKFEDLEVST[Phe138Cys]ERLMSINYLG